The following is an entry in ClinVar:

NM_017780.4(CHD7):c.8964T>A (p.Asp2988Glu)

Gene: CHD7 (chromodomain helicase DNA binding protein 7; plus strand). Cytogenetic location: 8q12.2.
Variant type: single nucleotide variant.
Coding change: c.8964T>A on transcript NM_017780.4 (MANE Select); coding-DNA position 8964, T replaced by A.
Protein change: p.Asp2988Glu; replaces aspartic acid 2988 with glutamic acid.
Molecular consequence: missense variant.
Genome position (GRCh38, 1-based): chr8:60,865,903, T>A. VCF-style: chr8-60865903-T-A. GRCh37 (hg19) VCF-style: chr8-61778462-T-A.
Other names: c.2817T>A, p.Asp939Glu (NM_001316690.1); short protein forms D2988E, D939E.
Identifiers: ClinVar variation 3690870 (VCV003690870.2).
Genomic context (GRCh38, chr8:60,865,903, plus strand): 5'-CTCCCTCTTAGAAGACGAAATAGCACAGGGTGAAGAGCTAGACTCACTTGATGGGGGGGA[T>A]GAAATAGAAAACAATGAAAATGATGAATAACCAGTACCAGTTCCAGTTCAAGTGTTTAAA-3'
Protein context (NP_060250.2, residues 2978-2997): GEELDSLDGG[Asp2988Glu]EIENNENDE

ClinVar aggregate classification (germline): Uncertain significance (1 of 4 stars; one submission).

Conditions:
CHARGE syndrome (CHARGE). Also called: Hittner Hirsch Kreh syndrome; CHARGE ASSOCIATION--COLOBOMA, HEART ANOMALY, CHOANAL ATRESIA, RETARDATION, GENITAL AND EAR ANOMALIES; Coloboma, heart anomaly, choanal atresia, retardation, genital and ear anomalies; CHARGE association; Hall-Hittner syndrome. Identifiers: Orphanet 138, MedGen C0265354, MONDO:0008965.

gnomAD v4.1: 17 of 1,607,398 alleles (0.0011%); highest among the groups gnomAD compares: Non-Finnish European, 0.0014%; no homozygotes.

Submission:

Labcorp Genetics (formerly Invitae), Labcorp
Classification: Uncertain significance for CHARGE syndrome. Last evaluated: 2024-04-09. Review status: criteria provided, single submitter. Criteria: Invitae Variant Classification Sherloc (09022015). Collection method: clinical testing. Allele origin: germline.
Comment: This sequence change replaces aspartic acid, which is acidic and polar, with glutamic acid, which is acidic and polar, at codon 2988 of the CHD7 protein (p.Asp2988Glu). This variant is not present in population databases (gnomAD no frequency). This variant has not been reported in the literature in individuals affected with CHD7-related conditions. Advanced modeling of protein sequence and biophysical properties (such as structural, functional, and spatial information, amino acid conservation, physicochemical variation, residue mobility, and thermodynamic stability) performed at Invitae indicates that this missense variant is not expected to disrupt CHD7 protein function with a negative predictive value of 95%. In summary, the available evidence is currently insufficient to determine the role of this variant in disease. Therefore, it has been classified as a Variant of Uncertain Significance.